The following is an entry in ClinVar:

ClinVar aggregate classification (germline): Conflicting classifications of pathogenicity. Review status: criteria provided, conflicting classifications (1 of 4 stars). 2 submissions from 2 submitters: Pathogenic (1); Uncertain significance (1). Last evaluated 2024-10-29.

Conditions:
Intellectual disability, autosomal dominant 24 (VSVS). Also called: VULTO-VAN SILFHOUT-DE VRIES SYNDROME. Identifiers: MedGen C4014414, MONDO:0014357, OMIM 615828.

Submissions (2):

MVZ Martinsried, Medicover Genetics
Classification: Uncertain significance for Intellectual disability, autosomal dominant 24. Last evaluated: 2024-10-29. Review status: criteria provided, single submitter. Criteria: ACGS Guidelines, 2020. Collection method: clinical testing. Allele origin: unknown. Affected: yes.

Victorian Clinical Genetics Services, Murdoch Childrens Research Institute
Classification: Pathogenic for Intellectual disability, autosomal dominant 24. Last evaluated: 2021-05-06. Review status: criteria provided, single submitter. Criteria: ACMG Guidelines, 2015. Collection method: clinical testing. Allele origin: germline. Inheritance: Autosomal dominant inheritance. Affected: yes.
Comment: Based on the classification scheme VCGS_Germline_v1.3.4, this variant is classified as Pathogenic. Following criteria are met: 0103 - Dominant negative and loss of function are reported mechanisms of disease in this gene. Dominant negative has been suggested as a mechanism for most variants affecting the SAND domain in monoallelic individuals with Vulto-van Silfout-de Vries syndrome (MIM#615828), whereas loss of function has been reported in biallelic patients with neurodevelopmental disorder with hypotonia, impaired expressive language, with or without seizures (MIM#617171) (PMID: 30923367). (I) 0108 - This gene is associated with both recessive and dominant disease. (I) 0115 - Variants in this gene are known to have variable expressivity. Biallelic seem to be associated to a more severe end of the spectrum (PMID: 30923367). (I) 0200 - Variant is predicted to result in a missense amino acid change from cysteine to phenylalanine. (I) 0251 - This variant is heterozygous. (I) 0301 - Variant is absent from gnomAD (both v2 and v3). (SP) 0501 - Missense variant consistently predicted to be damaging by multiple in silico tools or highly conserved with a major amino acid change. (SP) 0602 - Variant is located in a hotspot region or cluster of pathogenic variants (NCBI, DECIPHER, Uniprot). (I) 0704 - Another missense variant comparable to the one identified in this case has limited previous evidence for pathogenicity. The p.(Cys227Tyr) has been reported likely pathogenic, however zygosity and the condition were not provided (LOVD). (SP) 0807 - This variant has no previous evidence of pathogenicity. (I) 0905 - No published segregation evidence has been identified for this variant. (I) 1007 - No published functional evidence has been identified for this variant. (SP) Legend: (SP) - Supporting pathogenic, (I) - Information, (SB) - Supporting benign

Literature cited by the submitters: PubMed 30923367 (cited by Victorian Clinical Genetics Services, Murdoch Childrens Research Institute).

NM_021008.4(DEAF1):c.680G>T (p.Cys227Phe)

Gene: DEAF1 (DEAF1 transcription factor; minus strand). Cytogenetic location: 11p15.5.
Variant type: single nucleotide variant.
Coding change: c.680G>T on transcript NM_021008.4 (MANE Select); coding-DNA position 680, G replaced by T.
Protein change: p.Cys227Phe; replaces cysteine 227 with phenylalanine.
Molecular consequence: missense variant. On other transcripts: 5 prime UTR variant (4), intron variant (1).
Genome position (GRCh38, 1-based): chr11:686,982, C>A on the plus strand (G>T on the coding strand, the complement: DEAF1 is on the minus strand). VCF-style: chr11-686982-C-A. GRCh37 (hg19) VCF-style: chr11-686982-C-A.
Other names: c.-47G>T (NM_001367390.1, NM_001440885.1, NM_001440886.1 and 1 more transcripts); c.680G>T, p.Cys227Phe (NM_001440883.1, NM_001440884.1); c.664+929G>T (NM_001293634.2); short protein forms C227F.
Identifiers: ClinVar variation 3377040 (VCV003377040.2).